The following is an entry in ClinVar:

ClinVar aggregate classification (germline): Uncertain significance (1 of 4 stars; one submission).

Submission:

CeGaT Center for Human Genetics Tuebingen
Classification: Uncertain significance. Last evaluated: 2025-04-01. Review status: criteria provided, single submitter. Criteria: CeGaT Center For Human Genetics Tuebingen Variant Classification Criteria Version 2. Collection method: clinical testing. Allele origin: germline. Affected: yes. Observed: 1 variant allele.
Comment: FLII: PM2

NM_002018.4(FLII):c.2841GGA[2] (p.Glu950del)

Gene: FLII (FLII actin remodeling protein; minus strand). Cytogenetic location: 17p11.2.
Variant type: Microsatellite.
Coding change: c.2841GGA[2] on transcript NM_002018.4 (MANE Select); two copies in a row of the 3-base unit GGA starting at c.2841; the reference has three copies in a row; one copy, 3 bases deleted.
Protein change: p.Glu950del; deletes glutamic acid 950.
Molecular consequence: inframe deletion.
Genome position (GRCh38, 1-based): chr17:18,246,796-18,246,798, TCC deleted on the plus strand (GGA on the coding strand, the reverse complement: FLII is on the minus strand); deleting any 3 consecutive bases within chr17:18,246,796-18,246,806 gives the same sequence; the position shown is the placement nearest the transcript's 3' end. VCF-style (leftmost placement, unchanged base first): chr17-18246795-TTCC-T. GRCh37 (hg19) VCF-style: chr17-18150109-TTCC-T.
Other names: c.2808GGA[2], p.Glu939del (NM_001256264.2); c.2676GGA[2], p.Glu895del (NM_001256265.2); short protein forms E895del, E939del, E950del.
Identifiers: ClinVar variation 3898244 (VCV003898244.7).